The following is an entry in ClinVar:

ClinVar aggregate classification (germline): Conflicting classifications of pathogenicity. Review status: criteria provided, conflicting classifications (1 of 4 stars). 5 submissions from 5 submitters: Likely pathogenic (1); Uncertain significance (4). Last evaluated 2026-02-09.

Conditions:
Hypertrophic cardiomyopathy 4. Also called: Familial hypertrophic cardiomyopathy 4. Identifiers: MedGen C1861862, MONDO:0007268, OMIM 115197.
Hypertrophic cardiomyopathy. Also called: HYPERTROPHIC MYOCARDIOPATHY. Identifiers: Orphanet 217569, MedGen C0007194, MeSH D002312, MONDO:0005045, HP:0001639.
Cardiovascular phenotype. Identifiers: MedGen CN230736.
Cardiomyopathy (CMYO). Also called: Cardiomyopathies. Identifiers: Orphanet 167848, MedGen C0878544, MONDO:0004994, HP:0001638. Inheritance: Various modes of inheritance.

gnomAD v4.1: 2 of 1,612,338 alleles (0.00012%); highest among the groups gnomAD compares: African/African-American, 0.0013%; no homozygotes.

Submissions (5):

Clinical Genetics Laboratory, Skane University Hospital Lund
Classification: Uncertain significance for Hypertrophic cardiomyopathy. Last evaluated: 2026-02-09. Review status: criteria provided, single submitter. Criteria: ACMG Guidelines, 2015. Collection method: clinical testing. Allele origin: germline. Affected: yes.
Comment: ACMG criteria used (ClinGen Cardiomyopathy Expert Panel Specifications to the ACMG/AMP Variant Interpretation Guidelines for MYBPC3 Version 1.0.0): PM2_Supporting, PM5_Supporting, PP3.

Labcorp Genetics (formerly Invitae), Labcorp
Classification: Uncertain significance for Hypertrophic cardiomyopathy. Last evaluated: 2026-01-27. Review status: criteria provided, single submitter. Criteria: Invitae Variant Classification Sherloc (09022015). Collection method: clinical testing. Allele origin: germline.
Comment: This sequence change replaces glycine, which is neutral and non-polar, with tryptophan, which is neutral and slightly polar, at codon 531 of the MYBPC3 protein (p.Gly531Trp). This variant is not present in population databases (gnomAD no frequency). This missense change has been observed in individual(s) with MYBPC3-related conditions (PMID: 37652022). ClinVar contains an entry for this variant (Variation ID: 810736). An algorithm developed to predict the effect of missense changes on protein structure and function (PolyPhen-2) suggests that this variant is likely to be disruptive. This variant disrupts the p.Gly531 amino acid residue in MYBPC3. Other variant(s) that disrupt this residue have been determined to be pathogenic (PMID: 18533079, 20624503, 21750094, 23508784, 27483260, 27532257, 27600940, 28356264). This suggests that this residue is clinically significant, and that variants that disrupt this residue are likely to be disease-causing. In summary, the available evidence is currently insufficient to determine the role of this variant in disease. Therefore, it has been classified as a Variant of Uncertain Significance.

Ambry Genetics
Classification: Uncertain significance for Cardiovascular phenotype. Last evaluated: 2023-06-06. Review status: criteria provided, single submitter. Criteria: Ambry Variant Classification Scheme 2023. Collection method: clinical testing. Allele origin: germline.
Comment: The p.G531W variant (also known as c.1591G>T), located in coding exon 17 of the MYBPC3 gene, results from a G to T substitution at nucleotide position 1591. The glycine at codon 531 is replaced by tryptophan, an amino acid with highly dissimilar properties. This amino acid position is highly conserved in available vertebrate species. In addition, this alteration is predicted to be deleterious by in silico analysis. Since supporting evidence is limited at this time, the clinical significance of this alteration remains unclear.

CHEO Genetics Diagnostic Laboratory, Children's Hospital of Eastern Ontario
Classification: Likely pathogenic for Cardiomyopathy. Last evaluated: 2023-01-09. Review status: criteria provided, single submitter. Criteria: ACMG Guidelines, 2015. Collection method: clinical testing. Allele origin: germline.

Agnes Ginges Centre for Molecular Cardiology, Centenary Institute
Classification: Uncertain significance for Hypertrophic cardiomyopathy 4. Last evaluated: 2018-04-04. Review status: criteria provided, single submitter. Criteria: ACMG Guidelines, 2015. Collection method: research. Allele origin: germline. Inheritance: Autosomal dominant inheritance. Affected: yes.
Comment: MYBPC3 Gly531Trp is absent from the Genome Aggregation Database. Interestingly another amino acid change at this position (Gly531Arg) has been classified as likely pathogenic. In silico tools SIFT, PolyPhen-2 and MutationTaster predict the variant to be deleterious. In summary, this variant is rare, a different amino acid change has been reported as likely pathogenic at this position and in silico tools predict it to be deleterious therefore we classify MYBPC3 Gly531Trp as a variant of 'uncertain significance'.

Literature cited by the submitters: PubMed 37652022 (cited by Labcorp Genetics (formerly Invitae), Labcorp); PubMed 18533079 (cited by Labcorp Genetics (formerly Invitae), Labcorp); PubMed 20624503 (cited by Labcorp Genetics (formerly Invitae), Labcorp); PubMed 21750094 (cited by Labcorp Genetics (formerly Invitae), Labcorp); PubMed 23508784 (cited by Labcorp Genetics (formerly Invitae), Labcorp); PubMed 27483260 (cited by Labcorp Genetics (formerly Invitae), Labcorp); PubMed 27532257 (cited by Labcorp Genetics (formerly Invitae), Labcorp); PubMed 27600940 (cited by Labcorp Genetics (formerly Invitae), Labcorp); PubMed 28356264 (cited by Labcorp Genetics (formerly Invitae), Labcorp).

NM_000256.3(MYBPC3):c.1591G>T (p.Gly531Trp)

Gene: MYBPC3 (myosin binding protein C3; minus strand). Cytogenetic location: 11p11.2.
Variant type: single nucleotide variant.
Coding change: c.1591G>T on transcript NM_000256.3 (MANE Select); coding-DNA position 1591, G replaced by T.
Protein change: p.Gly531Trp; replaces glycine 531 with tryptophan.
Molecular consequence: missense variant.
Genome position (GRCh38, 1-based): chr11:47,342,611, C>A on the plus strand (G>T on the coding strand, the complement: MYBPC3 is on the minus strand). VCF-style: chr11-47342611-C-A. GRCh37 (hg19) VCF-style: chr11-47364162-C-A.
Other names: short protein forms G531W.
Identifiers: ClinVar variation 810736 (VCV000810736.12), dbSNP rs397515912, ClinGen allele CA221695735.